The following is an entry in ClinVar:

NM_170606.3(KMT2C):c.3156A>G (p.Lys1052=)

Gene: KMT2C (lysine methyltransferase 2C; minus strand). Cytogenetic location: 7q36.1.
Variant type: single nucleotide variant.
Coding change: c.3156A>G on transcript NM_170606.3 (MANE Select); coding-DNA position 3156, A replaced by G.
Protein change: p.Lys1052=; no amino-acid change (lysine 1052 retained).
Molecular consequence: synonymous variant.
Genome position (GRCh38, 1-based): chr7:152,224,437, T>C on the plus strand (A>G on the coding strand, the complement: KMT2C is on the minus strand). VCF-style: chr7-152224437-T-C. GRCh37 (hg19) VCF-style: chr7-151921522-T-C.
Identifiers: ClinVar variation 3907764 (VCV003907764.1).

ClinVar aggregate classification (germline): Uncertain significance (1 of 4 stars; one submission).

Submission:

GeneDx
Classification: Uncertain significance. Last evaluated: 2024-12-31. Review status: criteria provided, single submitter. Criteria: GeneDx Variant Classification Process June 2021. Collection method: clinical testing. Allele origin: germline. Affected: yes.
Comment: Not observed at significant frequency in large population cohorts (gnomAD); Has not been previously published as pathogenic or benign to our knowledge; In silico analysis is inconclusive as to whether the variant alters gene splicing. In the absence of RNA/functional studies, the actual effect of this sequence change is unknown.